The following is an entry in ClinVar:

NM_001039591.3(USP9X):c.5340C>T (p.Thr1780=)

Gene: USP9X (ubiquitin specific peptidase 9 X-linked; plus strand). Cytogenetic location: Xp11.4.
Variant type: single nucleotide variant.
Coding change: c.5340C>T on transcript NM_001039591.3 (MANE Select); coding-DNA position 5340, C replaced by T.
Protein change: p.Thr1780=; no amino-acid change (threonine 1780 retained).
Molecular consequence: synonymous variant.
Genome position (GRCh38, 1-based): chrX:41,215,907, C>T. VCF-style: chrX-41215907-C-T. GRCh37 (hg19) VCF-style: chrX-41075160-C-T.
Other names: c.5340C>T, p.Thr1780= (NM_001039590.3).
Identifiers: ClinVar variation 1225156 (VCV001225156.32), dbSNP rs371672710, ClinGen allele CA10388998.

ClinVar aggregate classification (germline): Benign/Likely benign. Review status: criteria provided, multiple submitters, no conflicts (2 of 4 stars). 4 submissions from 4 submitters: Benign (2); Likely benign (2). Last evaluated 2025-03-10.

Allele frequency attached by ClinVar (database versions not stated): gnomAD 0.00021 and 0.00010; 1000 Genomes Project 0.00026; TOPMed 0.00028; gnomAD exomes 0.00036; ExAC 0.00045; ESP Exome Variant Server 0.00010; 1000 Genomes Project 30x 0.00021.
gnomAD v4.1: 270 of 1,204,820 alleles (0.022%); highest among the groups gnomAD compares: East Asian, 0.24%; no homozygotes.

Submissions (4):

Labcorp Genetics (formerly Invitae), Labcorp
Classification: Benign. Last evaluated: 2025-03-10. Review status: criteria provided, single submitter. Criteria: Invitae Variant Classification Sherloc (09022015). Collection method: clinical testing. Allele origin: germline.

Blueprint Genetics
Classification: Likely benign. Last evaluated: 2024-03-28. Review status: criteria provided, single submitter. Criteria: ACMG Guidelines, 2015. Collection method: clinical testing. Allele origin: germline.

CeGaT Center for Human Genetics Tuebingen
Classification: Likely benign. Last evaluated: 2023-03-01. Review status: criteria provided, single submitter. Criteria: CeGaT Center For Human Genetics Tuebingen Variant Classification Criteria Version 2. Collection method: clinical testing. Allele origin: germline. Affected: yes. Observed: 1 variant allele.
Comment: USP9X: BP4, BP7, BS2

GeneDx
Classification: Benign. Last evaluated: 2020-11-26. Review status: criteria provided, single submitter. Criteria: GeneDx Variant Classification Process June 2021. Collection method: clinical testing. Allele origin: germline. Affected: yes.